The following is an entry in ClinVar:

ClinVar aggregate classification (germline): Uncertain significance (1 of 4 stars; one submission).

Allele frequency attached by ClinVar (database versions not stated): TOPMed below 0.00001; gnomAD exomes 0.00001.

Submission:

CeGaT Center for Human Genetics Tuebingen
Classification: Uncertain significance. Last evaluated: 2022-07-01. Review status: criteria provided, single submitter. Criteria: CeGaT Center For Human Genetics Tuebingen Variant Classification Criteria Version 2. Collection method: clinical testing. Allele origin: germline. Affected: yes. Observed: 1 variant allele.
Comment: KCNQ1OT1: PM2

NM_000218.3(KCNQ1):c.1394-21154del

Genes: KCNQ1 (potassium voltage-gated channel subfamily Q member 1; plus strand), KCNQ1OT1 (KCNQ1 opposite strand/antisense transcript 1; minus strand). Cytogenetic location: 11p15.5.
Variant type: Deletion.
Coding change: c.1394-21154del on transcript NM_000218.3 (MANE Select); 21154 bases into the intron before coding-DNA position 1394, one base deleted (T; older notation c.1394-21154delT).
Molecular consequence: intron variant. On other transcripts: non-coding transcript variant (1).
Genome position (GRCh38, 1-based): chr11:2,640,807, T deleted. VCF-style (leftmost placement, unchanged base first): chr11-2640806-CT-C. GRCh37 (hg19) VCF-style: chr11-2662036-CT-C.
Other names: c.1124-21154del (NM_001406837.1); c.1298-21154del (NM_001406836.1); c.854-21154del (NM_001406838.1); c.1013-21154del (NM_181798.2).
Identifiers: ClinVar variation 2641409 (VCV002641409.24), dbSNP rs1589998858, ClinGen allele CA918805597.